The following is an entry in ClinVar:

NM_000169.3(GLA):c.1072G>A (p.Glu358Lys)

Genes: RPL36A-HNRNPH2 (RPL36A-HNRNPH2 readthrough; plus strand), GLA (galactosidase alpha; minus strand). Cytogenetic location: Xq22.1.
Variant type: single nucleotide variant.
Coding change: c.1072G>A on transcript NM_000169.3 (MANE Select); coding-DNA position 1072, G replaced by A.
Protein change: p.Glu358Lys; replaces glutamic acid 358 with lysine.
Molecular consequence: missense variant. On other transcripts: non-coding transcript variant (3), intron variant (2).
Genome position (GRCh38, 1-based): chrX:101,398,027, C>T on the plus strand (G>A on the coding strand, the complement: GLA is on the minus strand). VCF-style: chrX-101398027-C-T. GRCh37 (hg19) VCF-style: chrX-100653015-C-T.
Other names: c.1195G>A, p.Glu399Lys (NM_001406747.1); c.300+2570C>T (NM_001199973.2); c.177+6205C>T (NM_001199974.2); short protein forms E358K, E399K.
Identifiers: ClinVar variation 198399 (VCV000198399.19), dbSNP rs797044774, ClinGen allele CA021353.
Genomic context (GRCh38, chrX:101,398,027, plus strand): 5'-AGGCCACTCCTTTACCCAGGGAAGCAACTGCGATGGTATAAGAGCGAGGTCCACCAATCT[C>T]CTGCCGGTTTATCATAGCTACAGCCCAGGCTAAGCCTGAGAGAGGTCGTTCCCACACTTC-3'
Protein context (NP_000160.1, residues 348-368): AWAVAMINRQ[Glu358Lys]IGGPRSYTIA

ClinVar aggregate classification (germline): Pathogenic. Review status: criteria provided, multiple submitters, no conflicts (2 of 4 stars). 4 submissions from 4 submitters: Pathogenic (4). Last evaluated 2026-09-08.

Conditions:
Fabry disease. Also called: Ceramide trihexosidosis; ALPHA-GALACTOSIDASE A DEFICIENCY; ANDERSON-FABRY DISEASE; CERAMIDE TRIHEXOSIDASE DEFICIENCY; GLA DEFICIENCY; HEREDITARY DYSTOPIC LIPIDOSIS. Identifiers: Orphanet 324, MedGen C0002986, MONDO:0010526, OMIM 301500, HP:0001071. Disease mechanism: Fabry disease is due to inactivating mutations in the X-linked GLA gene resulting in deficiency of the enzyme Alpha Galactosidase-A., loss of function.

Submissions (4):

Genomenon, Inc
Classification: Pathogenic for Fabry disease. Last evaluated: 2026-09-08. Review status: criteria provided, single submitter. Criteria: Genomenon Sequence Variant Interpretation Standards - Updated. Collection method: curation. Allele origin: germline. Affected: yes.
Comment: GLA p.Glu358Lys (c.1072G>A) is a missense variant that changes the amino acid at codon 358 from Glutamic acid to Lysine. This variant has been observed in at least one proband with clinical features consistent with Fabry disease (PMID:26415523;22878505;9452068;32843101;39260623;26297554;27657681;32150461;17697536;12428061;37990184;23474038;25974833). The variant was found to segregate with disease in at least one affected family (PMID:9452068;32843101;17697536). A de novo occurrence of this variant has been observed in at least one affected individual (PMID:37990184). At least one functional study has demonstrated a substantial alteration in protein function relative to the wild-type (PMID:32023956;21598360;23474038;26415523;27657681). It is absent or not present at a significant frequency in gnomAD. In silico models predict that this variant is possibly or probably damaging. In conclusion, we classify GLA p.Glu358Lys (c.1072G>A) as a pathogenic variant.

Labcorp Genetics (formerly Invitae), Labcorp
Classification: Pathogenic for Fabry disease. Last evaluated: 2025-01-23. Review status: criteria provided, single submitter. Criteria: Invitae Variant Classification Sherloc (09022015). Collection method: clinical testing. Allele origin: germline.
Comment: This sequence change replaces glutamic acid, which is acidic and polar, with lysine, which is basic and polar, at codon 358 of the GLA protein (p.Glu358Lys). This variant is not present in population databases (gnomAD no frequency). This missense change has been observed in individual(s) with classic Fabry disease (PMID: 9452068, 12429061, 26297554). ClinVar contains an entry for this variant (Variation ID: 198399). Invitae Evidence Modeling of protein sequence and biophysical properties (such as structural, functional, and spatial information, amino acid conservation, physicochemical variation, residue mobility, and thermodynamic stability) indicates that this missense variant is not expected to disrupt GLA protein function with a negative predictive value of 80%. Experimental studies have shown that this missense change affects GLA function (PMID: 21598360, 26415523). This variant disrupts the p.Glu358 amino acid residue in GLA. Other variant(s) that disrupt this residue have been determined to be pathogenic (PMID: 8807334, 15339079, 15712228, 15713906, 18154965, 26297554). This suggests that this residue is clinically significant, and that variants that disrupt this residue are likely to be disease-causing. For these reasons, this variant has been classified as Pathogenic.

Genome-Nilou Lab
Classification: Pathogenic for Fabry disease. Last evaluated: 2021-07-15. Review status: criteria provided, single submitter. Criteria: ACMG Guidelines, 2015. Collection method: clinical testing. Allele origin: germline. Affected: no.

Eurofins Ntd Llc (ga)
Classification: Pathogenic. Last evaluated: 2014-08-12. Review status: criteria provided, single submitter. Criteria: EGL Classification Definitions 2015. Collection method: clinical testing. Allele origin: germline. Observed: 5 variant alleles, 4 heterozygotes, 1 hemizygote.

Literature cited by the submitters: PubMed 26415523 (cited by Genomenon, Inc and Labcorp Genetics (formerly Invitae), Labcorp); PubMed 22878505 (cited by Genomenon, Inc); PubMed 9452068 (cited by Genomenon, Inc and Labcorp Genetics (formerly Invitae), Labcorp); PubMed 32843101 (cited by Genomenon, Inc); PubMed 39260623 (cited by Genomenon, Inc); PubMed 26297554 (cited by Genomenon, Inc and Labcorp Genetics (formerly Invitae), Labcorp); PubMed 27657681 (cited by Genomenon, Inc); PubMed 32150461 (cited by Genomenon, Inc); PubMed 17697536 (cited by Genomenon, Inc); PubMed 12428061 (cited by Genomenon, Inc); PubMed 37990184 (cited by Genomenon, Inc); PubMed 23474038 (cited by Genomenon, Inc); PubMed 25974833 (cited by Genomenon, Inc); PubMed 32023956 (cited by Genomenon, Inc); PubMed 21598360 (cited by Genomenon, Inc and Labcorp Genetics (formerly Invitae), Labcorp); PubMed 12429061 (cited by Labcorp Genetics (formerly Invitae), Labcorp); PubMed 8807334 (cited by Labcorp Genetics (formerly Invitae), Labcorp); PubMed 15339079 (cited by Labcorp Genetics (formerly Invitae), Labcorp); PubMed 15712228 (cited by Labcorp Genetics (formerly Invitae), Labcorp); PubMed 15713906 (cited by Labcorp Genetics (formerly Invitae), Labcorp); PubMed 18154965 (cited by Labcorp Genetics (formerly Invitae), Labcorp).